The following is an entry in ClinVar:

ClinVar aggregate classification (germline): Uncertain significance (1 of 4 stars; one submission).

Conditions:
Hypertrophic cardiomyopathy 4. Also called: Familial hypertrophic cardiomyopathy 4. Identifiers: MedGen C1861862, MONDO:0007268, OMIM 115197.

Submission:

Regional Center For Medical Genetics Timis, Louis Turcanu Emergency Hospital for Children Timisoara
Classification: Uncertain significance for Hypertrophic cardiomyopathy 4. Last evaluated: 2024-03-28. Review status: criteria provided, single submitter. Criteria: ACMG Guidelines, 2015. Collection method: research. Allele origin: unknown. Affected: yes. Observed: 1 heterozygote.
Comment: The missense variant is not present in population databases (gnomAD v4.0.0 genomes and exomes). In silico predictions are conflicting. The amino acid is conserved among species. The variant is located in a conserved Ig-like C2-type 2 domain, with low tolerance for missense variants (MetaDome score = 0.31). For these reasons, the variant was classified with uncertain significance (class 3), according to ACMG 2015 guidelines and ClinGen recommendations.

NM_000256.3(MYBPC3):c.1252A>C (p.Lys418Gln)

Gene: MYBPC3 (myosin binding protein C3; minus strand). Cytogenetic location: 11p11.2.
Variant type: single nucleotide variant.
Coding change: c.1252A>C on transcript NM_000256.3 (MANE Select); coding-DNA position 1252, A replaced by C.
Protein change: p.Lys418Gln; replaces lysine 418 with glutamine.
Molecular consequence: missense variant.
Genome position (GRCh38, 1-based): chr11:47,343,120, T>G on the plus strand (A>C on the coding strand, the complement: MYBPC3 is on the minus strand). VCF-style: chr11-47343120-T-G. GRCh37 (hg19) VCF-style: chr11-47364671-T-G.
Other names: short protein forms K418Q.
Identifiers: ClinVar variation 3235702 (VCV003235702.2), dbSNP rs730880533, ClinGen allele CA380327637.
Genomic context (GRCh38, chr11:47,343,120, plus strand): 5'-CCACGCACTGGTAGGCTGCGTCGTCCGCCAATGAGCACTGGCTGATGGTCAGGGTACGCT[T>G]GGCACCGATGGACTCAAAGATGTACCTGGGTGGGGGCCGCAGGGAAGTGGCAGGAAAGCT-3'
Protein context (NP_000247.2, residues 408-428): SKYIFESIGA[Lys418Gln]RTLTISQCSL